The following is an entry in ClinVar:

ClinVar aggregate classification (germline): Pathogenic. Review status: criteria provided, multiple submitters, no conflicts (2 of 4 stars). 2 submissions from 2 submitters: Pathogenic (2). Last evaluated 2025-04-16.

Conditions:
Familial adenomatous polyposis 1 (FAP1). Also called: POLYPOSIS, ADENOMATOUS INTESTINAL; FAMILIAL ADENOMATOUS POLYPOSIS 1, ATTENUATED. Identifiers: MedGen C2713442, MONDO:0021056, OMIM 175100. Disease mechanism: loss of function.
Hereditary cancer-predisposing syndrome. Also called: Neoplastic Syndromes, Hereditary; Tumor predisposition; Hereditary Cancer Syndrome; Hereditary neoplastic syndrome. Identifiers: Orphanet 140162, MedGen C0027672, MeSH D009386, MONDO:0015356.

Submissions (2):

Ambry Genetics
Classification: Pathogenic for Hereditary cancer-predisposing syndrome. Last evaluated: 2025-04-16. Review status: criteria provided, single submitter. Criteria: Ambry Variant Classification Scheme 2023. Collection method: clinical testing. Allele origin: germline.
Comment: The c.1177dupT pathogenic mutation, located in coding exon 9 of the APC gene, results from a duplication of T at nucleotide position 1177, causing a translational frameshift with a predicted alternate stop codon (p.S393Ffs*4). This variant was reported in individual(s) with features consistent with APC-related familial adenomatous polyposis (Ambry internal data). This variant is considered to be rare based on population cohorts in the Genome Aggregation Database (gnomAD). This alteration is expected to result in loss of function by premature protein truncation or nonsense-mediated mRNA decay. As such, this alteration is interpreted as a disease-causing mutation.

Labcorp Genetics (formerly Invitae), Labcorp
Classification: Pathogenic for Familial adenomatous polyposis 1. Last evaluated: 2023-08-11. Review status: criteria provided, single submitter. Criteria: Invitae Variant Classification Sherloc (09022015). Collection method: clinical testing. Allele origin: germline.
Comment: For these reasons, this variant has been classified as Pathogenic. ClinVar contains an entry for this variant (Variation ID: 653337). This variant is also known as c.1176_1177insT (p.His393_PhefsX396). This premature translational stop signal has been observed in individual(s) with attenuated familial adenomatous polyposis (PMID: 16134147). This variant is not present in population databases (gnomAD no frequency). This sequence change creates a premature translational stop signal (p.Ser393Phefs*4) in the APC gene. It is expected to result in an absent or disrupted protein product. Loss-of-function variants in APC are known to be pathogenic (PMID: 17963004, 20685668).

Literature cited by the submitters: PubMed 16134147 (cited by Labcorp Genetics (formerly Invitae), Labcorp); PubMed 17963004 (cited by Labcorp Genetics (formerly Invitae), Labcorp); PubMed 20685668 (cited by Labcorp Genetics (formerly Invitae), Labcorp).

NM_000038.6(APC):c.1177dup (p.Ser393fs)

Gene: APC (APC regulator of Wnt signaling pathway; plus strand). Cytogenetic location: 5q22.2.
Variant type: Duplication.
Coding change: c.1177dup on transcript NM_000038.6 (MANE Select); coding-DNA position 1177, one base duplicated (T; older notation c.1177dupT).
Protein change: p.Ser393fs; shifts the reading frame from serine 393.
Molecular consequence: frameshift variant. On other transcripts: intron variant (4).
Genome position (GRCh38, 1-based): chr5:112,819,209, T duplicated. VCF-style (leftmost placement, unchanged base first): chr5-112819208-C-CT. GRCh37 (hg19) VCF-style: chr5-112154905-C-CT.
Other names: c.1177dup, p.Ser393fs (NM_001127510.3, NM_001354895.2, NM_001354896.2); c.1123dup, p.Ser375fs (NM_001127511.3); c.1207dup, p.Ser403fs (NM_001354897.2); c.1102dup, p.Ser368fs (NM_001354898.2); c.1093dup, p.Ser365fs (NM_001354899.2); c.1000dup, p.Ser334fs (NM_001354900.2, NM_001354901.2); c.328dup, p.Ser110fs (NM_001354906.2); c.964-60dup (NM_001354902.2); and 3 more; short protein forms S368fs, S403fs, S334fs, S375fs, S110fs, S365fs, S393fs.
Identifiers: ClinVar variation 653337 (VCV000653337.11), dbSNP rs1580530177, ClinGen allele CA658760535.
Genomic context (GRCh38, chr5:112,819,208, plus strand): 5'-TTCCCGGGGCAGTAAAGAGGCTCGGGCCAGGGCCAGTGCAGCACTCCACAACATCATTCA[C>CT]TCACAGCCTGATGACAAGAGAGGCAGGCGTGAAATCCGAGTCCTTCATCTTTTGGAACAG-3'